The following is an entry in ClinVar:

NM_001374353.1(GLI2):c.4468G>T (p.Ala1490Ser)

Gene: GLI2 (GLI family zinc finger 2; plus strand). Cytogenetic location: 2q14.2.
Variant type: single nucleotide variant.
Coding change: c.4468G>T on transcript NM_001374353.1 (MANE Select); coding-DNA position 4468, G replaced by T.
Protein change: p.Ala1490Ser; replaces alanine 1490 with serine.
Molecular consequence: missense variant.
Genome position (GRCh38, 1-based): chr2:120,990,433, G>T. VCF-style: chr2-120990433-G-T. GRCh37 (hg19) VCF-style: chr2-121748009-G-T.
Other names: c.4519G>T, p.Ala1507Ser (NM_001371271.1, NM_005270.5); c.4093G>T, p.Ala1365Ser (NM_001374354.1); short protein forms A1365S, A1490S, A1507S.
Identifiers: ClinVar variation 2572720 (VCV002572720.1), dbSNP rs1187651972, ClinGen allele CA348179910.

ClinVar aggregate classification (germline): Uncertain significance (1 of 4 stars; one submission).

Allele frequency attached by ClinVar (database versions not stated): gnomAD 0.00001; TOPMed 0.00001.
gnomAD v4.1: 9 of 1,613,858 alleles (0.00056%); highest among the groups gnomAD compares: Non-Finnish European, 0.00076%; no homozygotes.

Submission:

GeneDx
Classification: Uncertain significance. Last evaluated: 2023-01-17. Review status: criteria provided, single submitter. Criteria: GeneDx Variant Classification Process June 2021. Collection method: clinical testing. Allele origin: germline. Affected: yes.
Comment: Not observed at significant frequency in large population cohorts (gnomAD); In silico analysis supports that this missense variant does not alter protein structure/function; Has not been previously published as pathogenic or benign to our knowledge